The following is an entry in ClinVar:

ClinVar aggregate classification (germline): Uncertain significance (1 of 4 stars; one submission).

Submission:

Labcorp Genetics (formerly Invitae), Labcorp
Classification: Uncertain significance. Last evaluated: 2024-12-24. Review status: criteria provided, single submitter. Criteria: Invitae Variant Classification Sherloc (09022015). Collection method: clinical testing. Allele origin: germline.
Comment: This sequence change replaces proline, which is neutral and non-polar, with serine, which is neutral and polar, at codon 76 of the PHF21A protein (p.Pro76Ser). This variant is not present in population databases (gnomAD no frequency). This variant has not been reported in the literature in individuals affected with PHF21A-related conditions. Invitae Evidence Modeling of protein sequence and biophysical properties (such as structural, functional, and spatial information, amino acid conservation, physicochemical variation, residue mobility, and thermodynamic stability) indicates that this missense variant is not expected to disrupt PHF21A protein function with a negative predictive value of 80%. In summary, the available evidence is currently insufficient to determine the role of this variant in disease. Therefore, it has been classified as a Variant of Uncertain Significance.

NM_001352027.3(PHF21A):c.226C>T (p.Pro76Ser)

Gene: PHF21A (PHD finger protein 21A; minus strand). Cytogenetic location: 11p11.2.
Variant type: single nucleotide variant.
Coding change: c.226C>T on transcript NM_001352027.3 (MANE Select); coding-DNA position 226, C replaced by T.
Protein change: p.Pro76Ser; replaces proline 76 with serine.
Molecular consequence: missense variant. On other transcripts: non-coding transcript variant (2).
Genome position (GRCh38, 1-based): chr11:45,979,894, G>A on the plus strand (C>T on the coding strand, the complement: PHF21A is on the minus strand). VCF-style: chr11-45979894-G-A. GRCh37 (hg19) VCF-style: chr11-46001445-G-A.
Other names: c.226C>T, p.Pro76Ser (NM_001101802.3, NM_001352025.3, NM_001352026.3 and 6 more transcripts); short protein forms P76S.
Identifiers: ClinVar variation 3706586 (VCV003706586.2).